The following is an entry in ClinVar:

ClinVar aggregate classification (germline): Pathogenic/Likely pathogenic. Review status: criteria provided, multiple submitters, no conflicts (2 of 4 stars). 3 submissions from 3 submitters: Pathogenic (2); Likely pathogenic (1). Last evaluated 2026-01-27.

Conditions:
Glucose-6-phosphate transport defect (GSD1B). Also called: Glycogen Storage Disease Type Ib; GSD Ib. Identifiers: Orphanet 364, Orphanet 79259, MedGen C0268146, MONDO:0009288, OMIM 232220.

Submissions (3):

Labcorp Genetics (formerly Invitae), Labcorp
Classification: Pathogenic for Glucose-6-phosphate transport defect. Last evaluated: 2026-01-27. Review status: criteria provided, single submitter. Criteria: Invitae Variant Classification Sherloc (09022015). Collection method: clinical testing. Allele origin: germline.
Comment: This sequence change creates a premature translational stop signal (p.Ser57*) in the SLC37A4 gene. It is expected to result in an absent or disrupted protein product. Loss-of-function variants in SLC37A4 are known to be pathogenic (PMID: 9758626, 10940311). This variant is not present in population databases (gnomAD no frequency). This variant has not been reported in the literature in individuals affected with SLC37A4-related conditions. ClinVar contains an entry for this variant (Variation ID: 654273). Algorithms developed to predict the effect of sequence changes on RNA splicing suggest that this variant may disrupt the consensus splice site. For these reasons, this variant has been classified as Pathogenic.

Natera, Inc.
Classification: Pathogenic for Glycogen storage disease type Ib. Last evaluated: 2024-07-22. Review status: criteria provided, single submitter. Criteria: Natera Variant Classification Schema (03/2026). Collection method: clinical testing. Allele origin: germline.
Comment: The c.170C>A variant in SLC37A4 is a nonsense variant predicted to introduce a stop codon at amino acid 57. This variant is expected to result in nonsense mediated decay, truncation, or a dysfunctional protein product. This variant is rare in the general population with a frequency below the threshold expected for the associated phenotype(s). This variant has been observed in one or more individuals affected with the associated recessive disease, as either homozygous or compound heterozygous with a second variant (PMID: 29515247). Given the available evidence, this variant is classified as Pathogenic.

Baylor Genetics
Classification: Likely pathogenic for Glucose-6-phosphate transport defect. Last evaluated: 2023-11-12. Review status: criteria provided, single submitter. Criteria: ACMG Guidelines, 2015. Collection method: clinical testing. Allele origin: unknown.

Literature cited by the submitters: PubMed 9758626 (cited by Labcorp Genetics (formerly Invitae), Labcorp); PubMed 10940311 (cited by Labcorp Genetics (formerly Invitae), Labcorp); PubMed 29515247 (cited by Natera, Inc.).

NM_001164277.2(SLC37A4):c.170C>A (p.Ser57Ter)

Gene: SLC37A4 (solute carrier family 37 member 4; minus strand). Cytogenetic location: 11q23.3.
Variant type: single nucleotide variant.
Coding change: c.170C>A on transcript NM_001164277.2 (MANE Select); coding-DNA position 170, C replaced by A.
Protein change: p.Ser57Ter; replaces serine 57 with a stop codon.
Molecular consequence: nonsense. On other transcripts: 5 prime UTR variant (1).
Genome position (GRCh38, 1-based): chr11:119,028,405, G>T on the plus strand (C>A on the coding strand, the complement: SLC37A4 is on the minus strand). VCF-style: chr11-119028405-G-T. GRCh37 (hg19) VCF-style: chr11-118899115-G-T.
Other names: c.170C>A, p.Ser57Ter (NM_001164278.2, NM_001164280.2, NM_001467.6); c.-50C>A (NM_001164279.2); short protein forms S57*.
Identifiers: ClinVar variation 654273 (VCV000654273.8), dbSNP rs374848317, ClinGen allele CA382906447.
Genomic context (GRCh38, chr11:119,028,405, plus strand): 5'-CGAGCACTCATCTGGTCAGACAGCACCCCACTGACAAACTTGCTGATAGCATAAGCTGCC[G>T]ACTGGCTGCTGGTGATGAACCCTGCAGGGAACATTACACTTAGGGGTTAGGGACCAGGGG-3'